The following is an entry in ClinVar:

NM_001029883.3(PCARE):c.1601G>T (p.Ser534Ile)

Gene: PCARE (photoreceptor cilium actin regulator; minus strand). Cytogenetic location: 2p23.2.
Variant type: single nucleotide variant.
Coding change: c.1601G>T on transcript NM_001029883.3 (MANE Select); coding-DNA position 1601, G replaced by T.
Protein change: p.Ser534Ile; replaces serine 534 with isoleucine.
Molecular consequence: missense variant.
Genome position (GRCh38, 1-based): chr2:29,072,661, C>A on the plus strand (G>T on the coding strand, the complement: PCARE is on the minus strand). VCF-style: chr2-29072661-C-A. GRCh37 (hg19) VCF-style: chr2-29295527-C-A.
Other names: short protein forms S534I.
Identifiers: ClinVar variation 938910 (VCV000938910.12), dbSNP rs112317722, ClinGen allele CA1592388.

ClinVar aggregate classification (germline): Benign/Likely benign. Review status: criteria provided, multiple submitters, no conflicts (2 of 4 stars). 3 submissions from 3 submitters: Benign (1); Likely benign (2). Last evaluated 2025-12-24.

Conditions:
PCARE-related disorder. Also called: PCARE-related condition.

Allele frequency attached by ClinVar (database versions not stated): gnomAD exomes 0.00008 and 0.00024; ExAC 0.00018; ESP Exome Variant Server 0.00066; gnomAD 0.00071 and 0.00080; TOPMed 0.00087; 1000 Genomes Project 30x 0.00094; 1000 Genomes Project 0.00100.
gnomAD v4.1: 229 of 1,614,036 alleles (0.014%); highest among the groups gnomAD compares: African/African-American, 0.26%; 2 homozygotes.

Submissions (3):

Labcorp Genetics (formerly Invitae), Labcorp
Classification: Likely benign. Last evaluated: 2025-12-24. Review status: criteria provided, single submitter. Criteria: Invitae Variant Classification Sherloc (09022015). Collection method: clinical testing. Allele origin: germline.

PreventionGenetics, part of Exact Sciences
Classification: Likely benign for PCARE-related condition. Last evaluated: 2025-02-12. Review status: criteria provided, single submitter. Criteria: ACMG Guidelines, 2015. Collection method: clinical testing. Allele origin: germline.
Comment: This variant is classified as likely benign based on ACMG/AMP sequence variant interpretation guidelines (Richards et al. 2015 PMID: 25741868, with internal and published modifications).

Blueprint Genetics
Classification: Benign. Last evaluated: 2024-06-05. Review status: criteria provided, single submitter. Criteria: ACMG Guidelines, 2015. Collection method: clinical testing. Allele origin: germline.